The following is an entry in ClinVar:

ClinVar aggregate classification (germline): Uncertain significance (1 of 4 stars; one submission).

Conditions:
Von Hippel-Lindau syndrome (VHLS). Also called: von Hippel–Lindau syndrome; VHL syndrome; Von Hippel-Lindau. Identifiers: Orphanet 892, MedGen C0019562, MONDO:0008667, OMIM 193300. Disease mechanism: loss of function.
Chuvash polycythemia. Also called: POLYCYTHEMIA, VHL-DEPENDENT. Identifiers: Orphanet 238557, MedGen C1837915, MONDO:0009892, OMIM 263400.

Allele frequency attached by ClinVar (database versions not stated): gnomAD 0.00001.
gnomAD v4.1: 1 of 152,308 alleles (0.00066%); highest among the groups gnomAD compares: Non-Finnish European, 0.0015%; no homozygotes.

Submission:

Labcorp Genetics (formerly Invitae), Labcorp
Classification: Uncertain significance for Von Hippel-Lindau syndrome; Chuvash polycythemia. Last evaluated: 2024-05-23. Review status: criteria provided, single submitter. Criteria: Invitae Variant Classification Sherloc (09022015). Collection method: clinical testing. Allele origin: germline.
Comment: This sequence change falls in intron 1 of the VHL gene. It is not expected to change the encoded amino acid sequence of the VHL protein. However, this sequence change falls within a cryptic exon in the VHL gene, known as exon E1’, which is naturally expressed at low levels in several human tissues (PMID: 29891534). This variant is not present in population databases (gnomAD no frequency). This variant has not been reported in the literature in individuals affected with VHL-related conditions. ClinVar contains an entry for this variant (Variation ID: 951900). Algorithms developed to predict the effect of sequence changes on RNA splicing suggest that this variant is not likely to affect RNA splicing. In summary, the available evidence is currently insufficient to determine the role of this variant in disease. Therefore, it has been classified as a Variant of Uncertain Significance.

Literature cited by the submitters: PubMed 29891534.

NM_000551.4(VHL):c.340+812G>C

Genes: VHL (von Hippel-Lindau tumor suppressor; plus strand), LOC107303340 (3p25 von Hippel-Lindau tumor suppressor, E3 ubiquitin protein ligase Alu-mediated recombination region; plus strand). Cytogenetic location: 3p25.3.
Variant type: single nucleotide variant.
Coding change: c.340+812G>C on transcript NM_000551.4 (MANE Select); 812 bases into the intron after coding-DNA position 340, G replaced by C.
Molecular consequence: intron variant. On other transcripts: missense variant (1).
Genome position (GRCh38, 1-based): chr3:10,142,999, G>C. VCF-style: chr3-10142999-G-C. GRCh37 (hg19) VCF-style: chr3-10184683-G-C.
Other names: c.577G>C, p.Glu193Gln (NM_001354723.2); c.340+812G>C (NM_198156.3); short protein forms E193Q.
Identifiers: ClinVar variation 951900 (VCV000951900.10), dbSNP rs1696164675, ClinGen allele CA1044995562.
Genomic context (GRCh38, chr3:10,142,999, plus strand): 5'-GGTTGCGGTTGTGTGGTTTCAGTTAAGGAGCACTTCCCGGAGAAGGAAGAGAGCAGGATG[G>C]AGTAGGAACTAGCCAACCCTAGGTAAGAGGTTCTAGACATGCGTGCGTTGAGACCTGGAG-3'